The following is an entry in ClinVar:

ClinVar aggregate classification (germline): Uncertain significance. Review status: criteria provided, multiple submitters, no conflicts (2 of 4 stars). 3 submissions from 3 submitters: Uncertain significance (3). Last evaluated 2023-10-03.

Conditions:
Autosomal recessive limb-girdle muscular dystrophy type 2Q (LGMDR17). Also called: MUSCULAR DYSTROPHY, LIMB-GIRDLE, AUTOSOMAL RECESSIVE 17. Identifiers: Orphanet 254361, MedGen C3150989, MONDO:0013390, OMIM 613723.
Epidermolysis bullosa simplex 5B, with muscular dystrophy (EBS5B). Also called: EPIDERMOLYSIS BULLOSA SIMPLEX AND LIMB-GIRDLE MUSCULAR DYSTROPHY; Epidermolysis bullosa simplex with muscular dystrophy. Identifiers: Orphanet 257, MedGen C2931072, MONDO:0009181, OMIM 226670.
Epidermolysis bullosa simplex, Ogna type (EBS5A). Also called: Pidermolysis bullosa simplex 5A, Ogna type; EPIDERMOLYSIS BULLOSA SIMPLEX 5A, OGNA TYPE. Identifiers: Orphanet 79401, MedGen C0432317, MONDO:0007555, OMIM 131950.
Epidermolysis bullosa simplex 5C, with pyloric atresia (EBS5C). Also called: PLEC1-Related Epidermolysis Bullosa with Pyloric Atresia; PLEC-Related Epidermolysis Bullosa with Pyloric Atresia; Epidermolysis bullosa simplex with pyloric atresia. Identifiers: Orphanet 158684, MedGen C2677349, MONDO:0012807, OMIM 612138.
Epidermolysis bullosa simplex with nail dystrophy (EBS5D). Identifiers: MedGen C4225309, MONDO:0014661, OMIM 616487.

Allele frequency attached by ClinVar (database versions not stated): gnomAD exomes 0.00002 and 0.00004; gnomAD 0.00003; TOPMed 0.00003; ExAC 0.00005.
gnomAD v4.1: 32 of 1,610,118 alleles (0.002%); highest among the groups gnomAD compares: Middle Eastern, 0.049%; no homozygotes.

Submissions (3):

Blueprint Genetics
Classification: Uncertain significance. Last evaluated: 2023-10-03. Review status: criteria provided, single submitter. Criteria: ACMG Guidelines, 2015. Collection method: clinical testing. Allele origin: germline.

Revvity Omics, Revvity
Classification: Uncertain significance. Last evaluated: 2023-05-16. Review status: criteria provided, single submitter. Criteria: ACMG Guidelines, 2015. Collection method: clinical testing. Allele origin: germline.

Labcorp Genetics (formerly Invitae), Labcorp
Classification: Uncertain significance for Autosomal recessive limb-girdle muscular dystrophy type 2Q; Epidermolysis bullosa simplex, Ogna type; Epidermolysis bullosa simplex with nail dystrophy; Epidermolysis bullosa simplex 5C, with pyloric atresia; Epidermolysis bullosa simplex 5B, with muscular dystrophy. Last evaluated: 2023-04-06. Review status: criteria provided, single submitter. Criteria: Invitae Variant Classification Sherloc (09022015). Collection method: clinical testing. Allele origin: germline.
Comment: This sequence change replaces arginine, which is basic and polar, with cysteine, which is neutral and slightly polar, at codon 3787 of the PLEC protein (p.Arg3787Cys). This variant is present in population databases (rs782414508, gnomAD 0.02%). This variant has not been reported in the literature in individuals affected with PLEC-related conditions. ClinVar contains an entry for this variant (Variation ID: 1497189). An algorithm developed to predict the effect of missense changes on protein structure and function (PolyPhen-2) suggests that this variant is likely to be disruptive. In summary, the available evidence is currently insufficient to determine the role of this variant in disease. Therefore, it has been classified as a Variant of Uncertain Significance.

NM_201384.3(PLEC):c.11278C>T (p.Arg3760Cys)

Gene: PLEC (plectin; minus strand). Cytogenetic location: 8q24.3.
Variant type: single nucleotide variant.
Coding change: c.11278C>T on transcript NM_201384.3 (MANE Select); coding-DNA position 11278, C replaced by T.
Protein change: p.Arg3760Cys; replaces arginine 3760 with cysteine.
Molecular consequence: missense variant.
Genome position (GRCh38, 1-based): chr8:143,918,543, G>A on the plus strand (C>T on the coding strand, the complement: PLEC is on the minus strand). VCF-style: chr8-143918543-G-A. GRCh37 (hg19) VCF-style: chr8-144992711-G-A.
Other names: c.11359C>T, p.Arg3787Cys (NM_000445.5); c.11236C>T, p.Arg3746Cys (NM_201378.4); c.11212C>T, p.Arg3738Cys (NM_201379.3); c.11689C>T, p.Arg3897Cys (NM_201380.4); c.11182C>T, p.Arg3728Cys (NM_201381.3); c.11278C>T, p.Arg3760Cys (NM_201382.4); c.11290C>T, p.Arg3764Cys (NM_201383.3); short protein forms R3728C, R3760C, R3897C, R3738C, R3746C, R3764C, R3787C.
Identifiers: ClinVar variation 1497189 (VCV001497189.12), dbSNP rs782414508, ClinGen allele CA4924392.
Genomic context (GRCh38, chr8:143,918,543, plus strand): 5'-TGGTCTGCTCGGTGTAGGGGTCACGGTAGCCGGTGACCGCCCGCTCAGCCGAGAGCAGGC[G>A]GTCGTGCAGCTCGGGCCCCACGAGGCCCTTCCGCACAGCCTCATCCACAGTCAGCCGCTC-3'
Protein context (NP_958786.1, residues 3750-3770): KGLVGPELHD[Arg3760Cys]LLSAERAVTG